The following is an entry in ClinVar:

ClinVar aggregate classification (germline): Pathogenic/Likely pathogenic. Review status: criteria provided, multiple submitters, no conflicts (2 of 4 stars). 5 submissions from 5 submitters: Pathogenic (3); Likely pathogenic (2). Last evaluated 2025-07-23.

Conditions:
Familial cancer of breast. Also called: hereditary breast carcinoma; BREAST CANCER, FAMILIAL; Hereditary breast cancer. Identifiers: Orphanet 227535, MedGen C0346153, MONDO:0016419, OMIM 114480. Disease mechanism: loss of function.
Hereditary cancer-predisposing syndrome. Also called: Neoplastic Syndromes, Hereditary; Hereditary neoplastic syndrome; Hereditary Cancer Syndrome; Tumor predisposition. Identifiers: Orphanet 140162, MedGen C0027672, MeSH D009386, MONDO:0015356.
PALB2-related disorder. Also called: PALB2-related disorders; PALB2-related condition.

Allele frequency attached by ClinVar (database versions not stated): gnomAD exomes below 0.00001.
gnomAD v4.1: 2 of 1,613,974 alleles (0.00012%); highest among the groups gnomAD compares: Non-Finnish European, 0.00017%; no homozygotes.

Submissions (5):

Rady Children's Institute for Genomic Medicine, Rady Children's Hospital San Diego
Classification: Likely pathogenic for PALB2-related disorders. Last evaluated: 2025-07-23. Review status: criteria provided, single submitter. Criteria: ACMG Guidelines, 2015. Collection method: clinical testing. Allele origin: germline. Affected: yes.
Comment: This nonsense variant found in exon 3 of 13 is predicted to result in loss of normal protein function through either protein truncation or nonsense-mediated mRNA decay. Loss-of-function variation in PALB2 is an established mechanism of disease (PMID: 32185139). This variant has been previously reported as a heterozygous germline change in a patient with neuroblastoma (PMID: 36493725). The c.178C>T (p.Gln60Ter) variant is present in the latest version of the gnomAD population database at an allele frequency of 0.0001% (2/1613974), and is absent in the homozygous state, thus is presumed to be rare. Based on the available evidence, c.178C>T (p.Gln60Ter) is classified as Likely Pathogenic.

Labcorp Genetics (formerly Invitae), Labcorp
Classification: Pathogenic for Familial cancer of breast. Last evaluated: 2024-10-05. Review status: criteria provided, single submitter. Criteria: Invitae Variant Classification Sherloc (09022015). Collection method: clinical testing. Allele origin: germline.
Comment: This sequence change creates a premature translational stop signal (p.Gln60*) in the PALB2 gene. It is expected to result in an absent or disrupted protein product. Loss-of-function variants in PALB2 are known to be pathogenic (PMID: 17200668, 17200671, 17200672, 24136930, 25099575). This variant is present in population databases (no rsID available, gnomAD 0.0009%). This variant has not been reported in the literature in individuals affected with PALB2-related conditions. ClinVar contains an entry for this variant (Variation ID: 265704). For these reasons, this variant has been classified as Pathogenic.

Myriad Genetics, Inc.
Classification: Pathogenic for Familial cancer of breast. Last evaluated: 2023-09-06. Review status: criteria provided, single submitter. Criteria: Myriad Autosomal Dominant, Autosomal Recessive and X-Linked Classification Criteria (2023). Collection method: clinical testing. Allele origin: unknown.
Comment: This variant is considered pathogenic. This variant creates a termination codon and is predicted to result in premature protein truncation.

Ambry Genetics
Classification: Pathogenic for Hereditary cancer-predisposing syndrome. Last evaluated: 2023-03-16. Review status: criteria provided, single submitter. Criteria: Ambry Variant Classification Scheme 2023. Collection method: clinical testing. Allele origin: germline.
Comment: The p.Q60* variant (also known as c.178C>T), located in coding exon 3 of the PALB2 gene, results from a C to T substitution at nucleotide position 178. This changes the amino acid from a glutamine to a stop codon within coding exon 3. One study detected this mutation in 0/3030 pancreatic cancer cases and 1/123136 population controls (Hu C et al. JAMA, 2018 06;319:2401-2409). This alteration is expected to result in loss of function by premature protein truncation or nonsense-mediated mRNA decay. This variant is considered to be rare based on population cohorts in the Genome Aggregation Database (gnomAD). As such, this alteration is interpreted as a disease-causing mutation.

GeneDx
Classification: Likely pathogenic. Last evaluated: 2016-08-29. Review status: criteria provided, single submitter. Criteria: GeneDx Variant Classification (06012015). Collection method: clinical testing. Allele origin: germline. Affected: yes.
Comment: This variant is denoted PALB2 c.178C>T at the cDNA level and p.Gln60Ter (Q60X) at the protein level.The substitution creates a nonsense variant, which changes a Glutamine to a premature stop codon (CAG>TAG), andis predicted to cause loss of normal protein function through either protein truncation or nonsense-mediated mRNAdecay. Although this variant has not, to our knowledge, been reported in the literature, it is considered likelypathogenic.

Literature cited by the submitters: PubMed 36493725 (cited by Rady Children's Institute for Genomic Medicine, Rady Children's Hospital San Diego); PubMed 17200668 (cited by Labcorp Genetics (formerly Invitae), Labcorp); PubMed 17200671 (cited by Labcorp Genetics (formerly Invitae), Labcorp); PubMed 17200672 (cited by Labcorp Genetics (formerly Invitae), Labcorp); PubMed 24136930 (cited by Labcorp Genetics (formerly Invitae), Labcorp); PubMed 25099575 (cited by Labcorp Genetics (formerly Invitae), Labcorp); PubMed 29922827 (cited by Ambry Genetics).

NM_024675.4(PALB2):c.178C>T (p.Gln60Ter)

Gene: PALB2 (partner and localizer of BRCA2; minus strand). Cytogenetic location: 16p12.2.
Variant type: single nucleotide variant.
Coding change: c.178C>T on transcript NM_024675.4 (MANE Select); coding-DNA position 178, C replaced by T.
Protein change: p.Gln60Ter; replaces glutamine 60 with a stop codon.
Molecular consequence: nonsense.
Genome position (GRCh38, 1-based): chr16:23,637,883, G>A on the plus strand (C>T on the coding strand, the complement: PALB2 is on the minus strand). VCF-style: chr16-23637883-G-A. GRCh37 (hg19) VCF-style: chr16-23649204-G-A.
Other names: short protein forms Q60*.
Identifiers: ClinVar variation 265704 (VCV000265704.13), dbSNP rs886039747, ClinGen allele CA10588615.